The following is an entry in ClinVar:

NM_000038.6(APC):c.8149G>T (p.Gly2717Cys)

Gene: APC (APC regulator of Wnt signaling pathway; plus strand). Cytogenetic location: 5q22.2.
Variant type: single nucleotide variant.
Coding change: c.8149G>T on transcript NM_000038.6 (MANE Select); coding-DNA position 8149, G replaced by T.
Protein change: p.Gly2717Cys; replaces glycine 2717 with cysteine.
Molecular consequence: missense variant.
Genome position (GRCh38, 1-based): chr5:112,843,743, G>T. VCF-style: chr5-112843743-G-T. GRCh37 (hg19) VCF-style: chr5-112179440-G-T.
Other names: c.8149G>T, p.Gly2717Cys (NM_001127510.3, NM_001354895.2); c.8095G>T, p.Gly2699Cys (NM_001127511.3); c.8203G>T, p.Gly2735Cys (NM_001354896.2); c.8179G>T, p.Gly2727Cys (NM_001354897.2); c.8074G>T, p.Gly2692Cys (NM_001354898.2); c.8065G>T, p.Gly2689Cys (NM_001354899.2); c.8026G>T, p.Gly2676Cys (NM_001354900.2); c.7972G>T, p.Gly2658Cys (NM_001354901.2); and 5 more; short protein forms G2699C, G2717C, G2557C, G2434C, G2616C, G2692C, G2735C, G2626C.
Identifiers: ClinVar variation 537465 (VCV000537465.11), dbSNP rs764260286, ClinGen allele CA049997.

ClinVar aggregate classification (germline): Uncertain significance. Review status: criteria provided, multiple submitters, no conflicts (2 of 4 stars). 2 submissions from 2 submitters: Uncertain significance (2). Last evaluated 2025-09-12.

Conditions:
Hereditary cancer-predisposing syndrome. Also called: Tumor predisposition; Hereditary Cancer Syndrome; Hereditary neoplastic syndrome; Neoplastic Syndromes, Hereditary. Identifiers: Orphanet 140162, MedGen C0027672, MeSH D009386, MONDO:0015356.
Familial adenomatous polyposis 1 (FAP1). Also called: FAMILIAL ADENOMATOUS POLYPOSIS 1, ATTENUATED; POLYPOSIS, ADENOMATOUS INTESTINAL. Identifiers: MedGen C2713442, MONDO:0021056, OMIM 175100. Disease mechanism: loss of function.

Allele frequency attached by ClinVar (database versions not stated): ExAC 0.00001.
gnomAD v4.1: 2 of 1,614,050 alleles (0.00012%); highest among the groups gnomAD compares: South Asian, 0.0022%; no homozygotes.

Submissions (2):

Ambry Genetics
Classification: Uncertain significance for Hereditary cancer-predisposing syndrome. Last evaluated: 2025-09-12. Review status: criteria provided, single submitter. Criteria: Ambry Variant Classification Scheme 2023. Collection method: clinical testing. Allele origin: germline.
Comment: The p.G2717C variant (also known as c.8149G>T), located in coding exon 15 of the APC gene, results from a G to T substitution at nucleotide position 8149. The glycine at codon 2717 is replaced by cysteine, an amino acid with highly dissimilar properties. This amino acid position is conserved. In addition, in silico predictors for this gene do not accurately predict pathogenicity. Based on the available evidence, the clinical significance of this variant remains unclear.

Labcorp Genetics (formerly Invitae), Labcorp
Classification: Uncertain significance for Familial adenomatous polyposis 1. Last evaluated: 2025-02-09. Review status: criteria provided, single submitter. Criteria: Invitae Variant Classification Sherloc (09022015). Collection method: clinical testing. Allele origin: germline.
Comment: This sequence change replaces glycine, which is neutral and non-polar, with cysteine, which is neutral and slightly polar, at codon 2717 of the APC protein (p.Gly2717Cys). This variant is present in population databases (rs764260286, gnomAD 0.003%). This variant has not been reported in the literature in individuals affected with APC-related conditions. ClinVar contains an entry for this variant (Variation ID: 537465). Invitae Evidence Modeling of protein sequence and biophysical properties (such as structural, functional, and spatial information, amino acid conservation, physicochemical variation, residue mobility, and thermodynamic stability) indicates that this missense variant is not expected to disrupt APC protein function with a negative predictive value of 95%. In summary, the available evidence is currently insufficient to determine the role of this variant in disease. Therefore, it has been classified as a Variant of Uncertain Significance.